The following is an entry in ClinVar:

NM_033028.5(BBS4):c.1195_1197del (p.Glu399del)

Gene: BBS4 (Bardet-Biedl syndrome 4; plus strand). Cytogenetic location: 15q24.1.
Variant type: Deletion.
Coding change: c.1195_1197del on transcript NM_033028.5 (MANE Select); coding-DNA positions 1195 to 1197, 3 bases deleted (GAG; older notation c.1195_1197delGAG).
Protein change: p.Glu399del; deletes glutamic acid 399.
Molecular consequence: inframe deletion. On other transcripts: non-coding transcript variant (2).
Genome position (GRCh38, 1-based): chr15:72,735,913-72,735,915, GAG deleted; deleting any 3 consecutive bases within chr15:72,735,912-72,735,915 gives the same sequence; the c. name uses the placement nearest the transcript's 3' end. VCF-style (leftmost placement, unchanged base first): chr15-72735911-TGGA-T. GRCh37 (hg19) VCF-style: chr15-73028252-TGGA-T.
Other names: c.679_681del, p.Glu227del (NM_001252678.2); c.1126_1128del, p.Glu376del (NM_001320665.2); short protein forms E227del, E376del, E399del.
Identifiers: ClinVar variation 3358580 (VCV003358580.1).

ClinVar aggregate classification (germline): Uncertain significance (0 of 4 stars; one submission).

Conditions:
BBS4-related disorder. Also called: BBS4-related condition.

Submission:

PreventionGenetics, part of Exact Sciences
Classification: Uncertain significance for BBS4-related condition. Last evaluated: 2024-03-12. Review status: no assertion criteria provided. Collection method: clinical testing. Allele origin: germline.
Comment: The BBS4 c.1195_1197delGAG variant is predicted to result in an in-frame deletion (p.Glu399del). To our knowledge, this variant has not been reported in the literature or in a large population database, indicating this variant is rare. At this time, the clinical significance of this variant is uncertain due to the absence of conclusive functional and genetic evidence.